The following is an entry in ClinVar:

ClinVar aggregate classification (germline): Uncertain significance (1 of 4 stars; one submission).

Submission:

GeneDx
Classification: Uncertain significance. Last evaluated: 2023-07-26. Review status: criteria provided, single submitter. Criteria: GeneDx Variant Classification Process June 2021. Collection method: clinical testing. Allele origin: germline. Affected: yes.
Comment: Not observed at significant frequency in large population cohorts (gnomAD); Frameshift variant predicted to result in protein truncation as the last 44 amino acids are replaced with 1 different amino acids, although loss-of-function variants have not been reported downstream of this position in the protein; Has not been previously published as pathogenic or benign to our knowledge.

NM_015570.4(AUTS2):c.3645del (p.Ala1216fs)

Gene: AUTS2 (activator of transcription and developmental regulator AUTS2; plus strand). Cytogenetic location: 7q11.22.
Variant type: Deletion.
Coding change: c.3645del on transcript NM_015570.4 (MANE Select); coding-DNA position 3645, one base deleted (A; older notation c.3645delA).
Protein change: p.Ala1216fs; shifts the reading frame from alanine 1216.
Molecular consequence: frameshift variant.
Genome position (GRCh38, 1-based): chr7:70,790,861, A deleted. VCF-style (leftmost placement, unchanged base first): chr7-70790860-CA-C. GRCh37 (hg19) VCF-style: chr7-70255846-CA-C.
Other names: c.3573del, p.Ala1192fs (NM_001127231.3); short protein forms A1192fs, A1216fs.
Identifiers: ClinVar variation 3361392 (VCV003361392.1).
Genomic context (GRCh38, chr7:70,790,860, plus strand): 5'-CCCGCATCAGCCCCACCGCGGGCAACCAGAACGGACTCCTCAACAAGACCCCTCCGACAG[CA>C]GCGCTGAGCGCACCTCCCCCGCTCATCTCCACGCTGGGGGGCCGCCCGGTCTCTCCCAGA-3'